The following is an entry in ClinVar:

ClinVar aggregate classification (germline): Likely benign. Review status: criteria provided, multiple submitters, no conflicts (2 of 4 stars). 5 submissions from 5 submitters: Likely benign (4). 1 of the submissions does not count toward it. Last evaluated 2026-09-01.

Conditions:
C1QB-related disorder. Also called: C1QB-related condition.

Allele frequency attached by ClinVar (database versions not stated): gnomAD 0.00006 and 0.00009; ESP Exome Variant Server 0.00008; TOPMed 0.00009.
gnomAD v4.1: 322 of 1,613,912 alleles (0.02%); highest among the groups gnomAD compares: Middle Eastern, 0.082%; no homozygotes.

Submissions (5):

CeGaT Center for Human Genetics Tuebingen
Classification: Likely benign. Last evaluated: 2026-09-01. Review status: criteria provided, single submitter. Criteria: CeGaT Center For Human Genetics Tuebingen Variant Classification Criteria Version 2. Collection method: clinical testing. Allele origin: germline. Affected: yes. Observed: 2 variant alleles.
Comment: C1QB: BP4, BP7

Labcorp Genetics (formerly Invitae), Labcorp
Classification: Likely benign. Last evaluated: 2025-08-07. Review status: criteria provided, single submitter. Criteria: Invitae Variant Classification Sherloc (09022015). Collection method: clinical testing. Allele origin: germline.

Blueprint Genetics
Classification: Likely benign. Last evaluated: 2024-11-19. Review status: criteria provided, single submitter. Criteria: ACMG Guidelines, 2015. Collection method: clinical testing. Allele origin: germline.

Breakthrough Genomics
Classification: Likely benign. Review status: criteria provided, single submitter. Criteria: ACMG Guidelines, 2015. Collection method: not provided. Allele origin: germline. Inheritance: Autosomal recessive inheritance. Affected: yes.

PreventionGenetics, part of Exact Sciences
Classification: Likely benign for C1QB-related condition. Last evaluated: 2019-10-28. Review status: no assertion criteria provided. Collection method: clinical testing. Allele origin: germline. Not counted in ClinVar's aggregate classification.
Comment: This variant is classified as likely benign based on ACMG/AMP sequence variant interpretation guidelines (Richards et al. 2015 PMID: 25741868, with internal and published modifications).

NM_001378156.1(C1QB):c.675C>T (p.Thr225=)

Gene: C1QB (complement C1q B chain; plus strand). Cytogenetic location: 1p36.12.
Variant type: single nucleotide variant.
Coding change: c.675C>T on transcript NM_001378156.1 (MANE Select); coding-DNA position 675, C replaced by T.
Protein change: p.Thr225=; no amino-acid change (threonine 225 retained).
Molecular consequence: synonymous variant.
Genome position (GRCh38, 1-based): chr1:22,661,305, C>T. VCF-style: chr1-22661305-C-T. GRCh37 (hg19) VCF-style: chr1-22987798-C-T.
Other names: c.681C>T (NM_000491.4); c.681C>T, p.Thr227= (NM_000491.5); c.675C>T, p.Thr225= (NM_001371184.3).
Identifiers: ClinVar variation 1637991 (VCV001637991.35), dbSNP rs146518300, ClinGen allele CA678211.
Genomic context (GRCh38, chr1:22,661,305, plus strand): 5'-CACCACCGGTGGCATGGTCCTCAAGCTGGAGCAGGGGGAGAACGTCTTCCTGCAGGCCAC[C>T]GACAAGAACTCACTACTGGGCATGGAGGGTGCCAACAGCATCTTTTCCGGGTTCCTGCTC-3'
Protein context (NP_001365085.1, residues 215-235): EQGENVFLQA[Thr225=]DKNSLLGMEG